The following is an entry in ClinVar:

ClinVar aggregate classification (germline): Uncertain significance (1 of 4 stars; one submission).

gnomAD v4.1: 5 of 1,614,190 alleles (0.00031%); no homozygotes.

Submission:

Labcorp Genetics (formerly Invitae), Labcorp
Classification: Uncertain significance. Last evaluated: 2024-11-05. Review status: criteria provided, single submitter. Criteria: Invitae Variant Classification Sherloc (09022015). Collection method: clinical testing. Allele origin: germline.
Comment: This sequence change replaces methionine, which is neutral and non-polar, with threonine, which is neutral and polar, at codon 618 of the TRPV6 protein (p.Met618Thr). This variant is present in population databases (rs749261854, gnomAD 0.01%). This variant has not been reported in the literature in individuals affected with TRPV6-related conditions. Experimental studies and prediction algorithms are not available or were not evaluated, and the functional significance of this variant is currently unknown. In summary, the available evidence is currently insufficient to determine the role of this variant in disease. Therefore, it has been classified as a Variant of Uncertain Significance.

NM_018646.6(TRPV6):c.1853T>C (p.Met618Thr)

Gene: TRPV6 (transient receptor potential cation channel subfamily V member 6; minus strand). Cytogenetic location: 7q34.
Variant type: single nucleotide variant.
Coding change: c.1853T>C on transcript NM_018646.6 (MANE Select); coding-DNA position 1853, T replaced by C.
Protein change: p.Met618Thr; replaces methionine 618 with threonine.
Molecular consequence: missense variant.
Genome position (GRCh38, 1-based): chr7:142,873,503, A>G on the plus strand (T>C on the coding strand, the complement: TRPV6 is on the minus strand). VCF-style: chr7-142873503-A-G. GRCh37 (hg19) VCF-style: chr7-142571256-A-G.
Other names: short protein forms M618T.
Identifiers: ClinVar variation 3616011 (VCV003616011.2).